The following is an entry in ClinVar:

ClinVar aggregate classification (germline): Uncertain significance (1 of 4 stars; one submission).

Conditions:
Familial adenomatous polyposis 1 (FAP1). Also called: FAMILIAL ADENOMATOUS POLYPOSIS 1, ATTENUATED; POLYPOSIS, ADENOMATOUS INTESTINAL. Identifiers: MedGen C2713442, MONDO:0021056, OMIM 175100. Disease mechanism: loss of function.

Submission:

Labcorp Genetics (formerly Invitae), Labcorp
Classification: Uncertain significance for Familial adenomatous polyposis 1. Last evaluated: 2025-01-22. Review status: criteria provided, single submitter. Criteria: Invitae Variant Classification Sherloc (09022015). Collection method: clinical testing. Allele origin: germline.
Comment: This sequence change replaces proline, which is neutral and non-polar, with serine, which is neutral and polar, at codon 2831 of the APC protein (p.Pro2831Ser). This variant is not present in population databases (gnomAD no frequency). This variant has not been reported in the literature in individuals affected with APC-related conditions. Invitae Evidence Modeling of protein sequence and biophysical properties (such as structural, functional, and spatial information, amino acid conservation, physicochemical variation, residue mobility, and thermodynamic stability) indicates that this missense variant is not expected to disrupt APC protein function with a negative predictive value of 95%. In summary, the available evidence is currently insufficient to determine the role of this variant in disease. Therefore, it has been classified as a Variant of Uncertain Significance.

NM_000038.6(APC):c.8491C>T (p.Pro2831Ser)

Gene: APC (APC regulator of Wnt signaling pathway; plus strand). Cytogenetic location: 5q22.2.
Variant type: single nucleotide variant.
Coding change: c.8491C>T on transcript NM_000038.6 (MANE Select); coding-DNA position 8491, C replaced by T.
Protein change: p.Pro2831Ser; replaces proline 2831 with serine.
Molecular consequence: missense variant. On other transcripts: non-coding transcript variant (2).
Genome position (GRCh38, 1-based): chr5:112,844,085, C>T. VCF-style: chr5-112844085-C-T. GRCh37 (hg19) VCF-style: chr5-112179782-C-T.
Other names: c.8491C>T, p.Pro2831Ser (NM_001127510.3, NM_001354895.2, NM_001407450.1); c.8437C>T, p.Pro2813Ser (NM_001127511.3); c.8545C>T, p.Pro2849Ser (NM_001354896.2, NM_001407447.1, NM_001407448.1 and 1 more transcripts); c.8521C>T, p.Pro2841Ser (NM_001354897.2); c.8416C>T, p.Pro2806Ser (NM_001354898.2); c.8407C>T, p.Pro2803Ser (NM_001354899.2); c.8368C>T, p.Pro2790Ser (NM_001354900.2); c.8314C>T, p.Pro2772Ser (NM_001354901.2, NM_001407453.1); and 11 more; short protein forms P2447S, P2548S, P2671S, P2702S, P2705S, P2730S, P2740S, P2748S.
Identifiers: ClinVar variation 3618557 (VCV003618557.2).